The following is an entry in ClinVar:

ClinVar aggregate classification (germline): Uncertain significance (1 of 4 stars; one submission).

Conditions:
Developmental and epileptic encephalopathy, 11 (DEE11). Also called: Early infantile epileptic encephalopathy 11. Identifiers: Orphanet 1934, MedGen C3150987, MONDO:0013388, OMIM 613721.

Submission:

3billion
Classification: Uncertain significance for Developmental and epileptic encephalopathy, 11. Last evaluated: 2023-02-23. Review status: criteria provided, single submitter. Criteria: ACMG Guidelines, 2015. Collection method: clinical testing. Allele origin: unknown. Affected: yes.
Comment: The variant is not observed in the gnomAD v2.1.1 dataset. In silico tool predictions suggest damaging effect of the variant on gene or gene product (REVEL: 0.83). Therefore, this variant is classified as VUS according to the recommendation of ACMG/AMP guideline.

NM_001040142.2(SCN2A):c.2984A>C (p.Asp995Ala)

Gene: SCN2A (sodium voltage-gated channel alpha subunit 2; plus strand). Cytogenetic location: 2q24.3.
Variant type: single nucleotide variant.
Coding change: c.2984A>C on transcript NM_001040142.2 (MANE Select); coding-DNA position 2984, A replaced by C.
Protein change: p.Asp995Ala; replaces aspartic acid 995 with alanine.
Molecular consequence: missense variant.
Genome position (GRCh38, 1-based): chr2:165,354,256, A>C. VCF-style: chr2-165354256-A-C. GRCh37 (hg19) VCF-style: chr2-166210766-A-C.
Other names: c.2984A>C, p.Asp995Ala (NM_001040143.2, NM_001371246.1, NM_001371247.1 and 1 more transcripts); short protein forms D995A.
Identifiers: ClinVar variation 2444248 (VCV002444248.1), dbSNP rs2468035685, ClinGen allele CA349019562.